The following is an entry in ClinVar:

ClinVar aggregate classification (germline): Likely benign. Review status: criteria provided, multiple submitters, no conflicts (2 of 4 stars). 3 submissions from 3 submitters: Likely benign (2). 1 of the submissions does not count toward it. Last evaluated 2026-05-01.

Conditions:
Cohen syndrome (COH1). Also called: Cutis verticis gyrata, retinitis pigmentosa, and sensorineural deafness; PEPPER SYNDROME. Identifiers: Orphanet 193, MedGen C0265223, MONDO:0008999, OMIM 216550.
VPS13B-related disorder. Also called: VPS13B-related condition.

Allele frequency attached by ClinVar (database versions not stated): gnomAD exomes below 0.00001 and 0.00001; ExAC 0.00001.
gnomAD v4.1: 6 of 1,613,912 alleles (0.00037%); highest among the groups gnomAD compares: Admixed American, 0.0033%; no homozygotes.

Submissions (3):

CeGaT Center for Human Genetics Tuebingen
Classification: Likely benign. Last evaluated: 2026-05-01. Review status: criteria provided, single submitter. Criteria: CeGaT Center For Human Genetics Tuebingen Variant Classification Criteria Version 2. Collection method: clinical testing. Allele origin: germline. Affected: yes. Observed: 2 variant alleles.
Comment: VPS13B: BP4, BP7

Labcorp Genetics (formerly Invitae), Labcorp
Classification: Likely benign for Cohen syndrome. Last evaluated: 2026-02-04. Review status: criteria provided, single submitter. Criteria: Invitae Variant Classification Sherloc (09022015). Collection method: clinical testing. Allele origin: germline.

PreventionGenetics, part of Exact Sciences
Classification: Likely benign for VPS13B-related condition. Last evaluated: 2023-11-10. Review status: no assertion criteria provided. Collection method: clinical testing. Allele origin: germline. Not counted in ClinVar's aggregate classification.
Comment: This variant is classified as likely benign based on ACMG/AMP sequence variant interpretation guidelines (Richards et al. 2015 PMID: 25741868, with internal and published modifications).

NM_152564.5(VPS13B):c.6339T>C (p.Thr2113=)

Gene: VPS13B (vacuolar protein sorting 13 homolog B; plus strand). Cytogenetic location: 8q22.2.
Variant type: single nucleotide variant.
Coding change: c.6339T>C on transcript NM_152564.5 (MANE Select); coding-DNA position 6339, T replaced by C.
Protein change: p.Thr2113=; no amino-acid change (threonine 2113 retained).
Molecular consequence: synonymous variant.
Genome position (GRCh38, 1-based): chr8:99,699,817, T>C. VCF-style: chr8-99699817-T-C. GRCh37 (hg19) VCF-style: chr8-100712045-T-C.
Other names: c.6414T>C, p.Thr2138= (NM_017890.5); c.6339T>C (NM_152564.4).
Identifiers: ClinVar variation 1139991 (VCV001139991.12), dbSNP rs747262961, ClinGen allele CA4823978.